The following is an entry in ClinVar:

NM_001164508.2(NEB):c.8240_8241del (p.Lys2747fs)

Gene: NEB (nebulin; minus strand). Cytogenetic location: 2q23.3.
Variant type: Deletion.
Coding change: c.8240_8241del on transcript NM_001164508.2 (MANE Select); coding-DNA positions 8240 to 8241, 2 bases deleted (AA; older notation c.8240_8241delAA).
Protein change: p.Lys2747fs; shifts the reading frame from lysine 2747.
Molecular consequence: frameshift variant.
Genome position (GRCh38, 1-based): chr2:151,642,789-151,642,790, TT deleted on the plus strand (AA on the coding strand, the reverse complement: NEB is on the minus strand); deleting any 2 consecutive bases within chr2:151,642,789-151,642,791 gives the same sequence; the c. name uses the placement nearest the transcript's 3' end. VCF-style (leftmost placement, unchanged base first): chr2-151642788-GTT-G. GRCh37 (hg19) VCF-style: chr2-152499302-GTT-G.
Other names: c.8240_8241del, p.Lys2747fs (NM_001164507.2, NM_001271208.2, NM_004543.5); short protein forms K2747fs.
Identifiers: ClinVar variation 1725475 (VCV001725475.2), dbSNP rs2552246652, ClinGen allele CA2580063953.
Genomic context (GRCh38, chr2:151,642,788, plus strand): 5'-AGGAAAATGTATCACGCACTATGAATATATTACTTACCTCACTGTAATTTACTTTGTTTT[GTT>G]TAGCTAATAAAACTTCAGGGGTATCTGGCATAATGTGGACAGTGGTTTTATCTTTATCCC-3'

ClinVar aggregate classification (germline): Likely pathogenic (1 of 4 stars; one submission).

Conditions:
Nemaline myopathy 2 (NEM2). Also called: Nemaline myopathy 2, autosomal recessive. Identifiers: MedGen C1850569, MONDO:0009725, OMIM 256030.

Submission:

Myriad Genetics, Inc.
Classification: Likely pathogenic for Nemaline myopathy 2. Last evaluated: 2022-03-27. Review status: criteria provided, single submitter. Criteria: Myriad Women's Health Autosomal Recessive and X-Linked Classification Criteria (2021). Collection method: clinical testing. Allele origin: unknown.
Comment: NM_001271208.1(NEB):c.8240_8241delAA(K2747Tfs*8) is expected to be pathogenic in the context of NEB-related nemaline myopathy. This variant is predicted to lead to an abnormal or absent protein product due to the creation of a premature termination codon in NEB, a gene where loss-of-function variants are known to be pathogenic. Please note: this variant was assessed in the context of healthy population screening.